The following is an entry in ClinVar:

ClinVar aggregate classification (germline): Conflicting classifications of pathogenicity. Review status: criteria provided, conflicting classifications (1 of 4 stars). 3 submissions from 3 submitters: Likely pathogenic (1); Uncertain significance (2). Last evaluated 2024-05-06.

Conditions:
Hemorrhage, intracerebral, susceptibility to (ICH). Also called: Stroke, hemorrhagic, susceptibility to. Identifiers: MedGen C3281105, MONDO:0100533, OMIM 614519.
Brain small vessel disease 2A, autosomal dominant. Also called: Porencephaly 2. Identifiers: Orphanet 2940, Orphanet 99810, MedGen C3280970, MONDO:0013773, OMIM 614483.

Allele frequency attached by ClinVar (database versions not stated): gnomAD exomes 0.00001; ExAC 0.00002; gnomAD 0.00002; TOPMed 0.00002.
gnomAD v4.1: 8 of 1,614,084 alleles (0.0005%); highest among the groups gnomAD compares: Non-Finnish European, 0.00059%; no homozygotes.

Submissions (4):

Labcorp Genetics (formerly Invitae), Labcorp
Classification: Likely pathogenic. Last evaluated: 2024-05-06. Review status: criteria provided, single submitter. Criteria: Invitae Variant Classification Sherloc (09022015). Collection method: clinical testing. Allele origin: germline.
Comment: This sequence change affects a donor splice site in intron 6 of the COL4A2 gene. It is expected to disrupt RNA splicing. Variants that disrupt the donor or acceptor splice site typically lead to a loss of protein function (PMID: 16199547), and loss-of-function variants in COL4A2 are known to be pathogenic (PMID: 22333902, 30315939). This variant is present in population databases (rs759305120, gnomAD 0.002%). This variant has not been reported in the literature in individuals affected with COL4A2-related conditions. ClinVar contains an entry for this variant (Variation ID: 1194127). Algorithms developed to predict the effect of sequence changes on RNA splicing suggest that this variant may disrupt the consensus splice site. In summary, the currently available evidence indicates that the variant is pathogenic, but additional data are needed to prove that conclusively. Therefore, this variant has been classified as Likely Pathogenic.

GeneDx
Classification: Uncertain significance. Last evaluated: 2022-08-10. Review status: criteria provided, single submitter. Criteria: GeneDx Variant Classification Process June 2021. Collection method: clinical testing. Allele origin: germline. Affected: yes.
Comment: Canonical splice site variant in a gene for which loss-of-function is not a known mechanism of disease; Not observed at a significant frequency in large population cohorts (gnomAD); Has not been previously published as pathogenic or benign to our knowledge

Fulgent Genetics
Classification: Uncertain significance for Brain small vessel disease 2A, autosomal dominant; Hemorrhage, intracerebral, susceptibility to. Last evaluated: 2022-05-12. Review status: criteria provided, single submitter. Criteria: ACMG Guidelines, 2015. Collection method: clinical testing. Allele origin: unknown.

Dr. Peter K. Rogan Lab, Western University
No classification provided (evidence only). Condition: Familial cancer of breast. Review status: no classification provided. Collection method: in vitro. Allele origin: not applicable. Functional consequence: skipped exon, retained intron. Not counted in ClinVar's aggregate classification.

Literature cited by the submitters: PubMed 16199547 (cited by Labcorp Genetics (formerly Invitae), Labcorp); PubMed 22333902 (cited by Labcorp Genetics (formerly Invitae), Labcorp); PubMed 30315939 (cited by Labcorp Genetics (formerly Invitae), Labcorp).

NM_001846.4(COL4A2):c.360+1G>A

Gene: COL4A2 (collagen type IV alpha 2 chain; plus strand). Cytogenetic location: 13q34.
Variant type: single nucleotide variant.
Coding change: c.360+1G>A on transcript NM_001846.4 (MANE Select); the canonical splice donor site of the intron after coding-DNA position 360, G replaced by A.
Molecular consequence: splice donor variant.
Genome position (GRCh38, 1-based): chr13:110,424,998, G>A. VCF-style: chr13-110424998-G-A. GRCh37 (hg19) VCF-style: chr13-111077345-G-A.
Identifiers: ClinVar variation 1194127 (VCV001194127.8), dbSNP rs759305120, ClinGen allele CA7048856.
Genomic context (GRCh38, chr13:110,424,998, plus strand): 5'-TTGCTTTCTTCATAGGGAGCAAGAGGCGTTTCTGGATTCCCTGGTGCCGATGGAATTCCT[G>A]TAAGTTTTATGGAAGACTGGAATTTTAAAACATTGCGTGCATCCTAGGCAATACATTTTG-3'